The following is an entry in ClinVar:

NM_001035.3(RYR2):c.11164del (p.Gln3722fs)

Gene: RYR2 (ryanodine receptor 2; plus strand). Cytogenetic location: 1q43.
Variant type: Deletion.
Coding change: c.11164del on transcript NM_001035.3 (MANE Select); coding-DNA position 11164, one base deleted (C; older notation c.11164delC).
Protein change: p.Gln3722fs; shifts the reading frame from glutamine 3722.
Molecular consequence: frameshift variant.
Genome position (GRCh38, 1-based): chr1:237,756,306, C deleted. VCF-style (leftmost placement, unchanged base first): chr1-237756305-GC-G. GRCh37 (hg19) VCF-style: chr1-237919605-GC-G.
Other names: short protein forms Q3722fs.
Identifiers: ClinVar variation 4717387 (VCV004717387.1).

ClinVar aggregate classification (germline): Uncertain significance (1 of 4 stars; one submission).

Conditions:
Catecholaminergic polymorphic ventricular tachycardia 1. Also called: RYR2-Related Catecholaminergic Polymorphic Ventricular Tachycardia; VENTRICULAR TACHYCARDIA, STRESS-INDUCED POLYMORPHIC 1; VENTRICULAR TACHYCARDIA, CATECHOLAMINERGIC POLYMORPHIC, 1, WITH OR WITHOUT ATRIAL DYSFUNCTION AND/OR DILATED CARDIOMYOPATHY. Identifiers: Orphanet 3286, MedGen C1631597, MONDO:0011484, OMIM 604772.

Submission:

Labcorp Genetics (formerly Invitae), Labcorp
Classification: Uncertain significance for Catecholaminergic polymorphic ventricular tachycardia 1. Last evaluated: 2025-07-29. Review status: criteria provided, single submitter. Criteria: Invitae Variant Classification Sherloc (09022015). Collection method: clinical testing. Allele origin: germline.
Comment: This sequence change creates a premature translational stop signal (p.Gln3722Lysfs*34) in the RYR2 gene. It is expected to result in an absent or disrupted protein product. However, the current clinical and genetic evidence is not sufficient to establish whether loss-of-function variants in RYR2 cause disease. This variant is not present in population databases (gnomAD no frequency). This variant has not been reported in the literature in individuals affected with RYR2-related conditions. In summary, the available evidence is currently insufficient to determine the role of this variant in disease. Therefore, it has been classified as a Variant of Uncertain Significance.